The following is an entry in ClinVar:

NM_000518.5(HBB):c.*111A>G

Genes: HBB (hemoglobin subunit beta; minus strand), LOC107133510 (origin of replication at HBB; plus strand), LOC110006319 (beta-globin gene 3' regulatory region; plus strand). Cytogenetic location: 11p15.4.
Variant type: single nucleotide variant.
Coding change: c.*111A>G on transcript NM_000518.5 (MANE Select); 111 bases downstream of the stop codon, A replaced by G.
Molecular consequence: 3 prime UTR variant.
Genome position (GRCh38, 1-based): chr11:5,225,487, T>C on the plus strand (A>G on the coding strand, the complement: HBB is on the minus strand). VCF-style: chr11-5225487-T-C. GRCh37 (hg19) VCF-style: chr11-5246717-T-C.
Other names: AATGAA; 3-UNT, A-G, +4.
Identifiers: ClinVar variation 15488 (VCV000015488.32), dbSNP rs63751128, ClinGen allele CA125347.
Genomic context (GRCh38, chr11:5,225,487, plus strand): 5'-TTTTAGTAAAATATTCAGAAATAATTTAAATACATCATTGCAATGAAAATAAATGTTTTT[T>C]ATTAGGCAGAATCCAGATGCTCAAGGCCCTTCATAATATCCCCCAGTTTAGTAGTTGGAC-3'

ClinVar aggregate classification (germline): Pathogenic. Review status: reviewed by expert panel (3 of 4 stars). 11 submissions from 11 submitters: Pathogenic (1). 10 of the submissions do not count toward it. Last evaluated 2026-04-30.

Conditions:
Beta-thalassemia HBB/LCRB. Identifiers: MedGen CN322236, MONDO:0013517, OMIM 613985.
beta Thalassemia (BTHAL). Also called: Cooley's anemia; Erythroblastic anemia; Mediterranean anemia. Identifiers: Orphanet 848, MedGen C0005283, MONDO:0019402. Disease mechanism: loss of function.
Hemoglobinopathy. Also called: Hemoglobin disorder; Haemoglobinopathies. Identifiers: MedGen C0019045, MONDO:0044348.
BETA-PLUS-THALASSEMIA. Identifiers: MedGen C3841475.
HBB-related disorder. Also called: HBB-related condition; HBB-related disorders. Identifiers: MedGen CN239378.

Allele frequency attached by ClinVar (database versions not stated): gnomAD exomes below 0.00001; gnomAD 0.00001; TOPMed 0.00001.
gnomAD v4.1: 6 of 1,015,192 alleles (0.00059%); highest among the groups gnomAD compares: Non-Finnish European, 0.00094%; no homozygotes.

Submissions (11):

ClinGen Hemoglobinopathy Variant Curation Expert Panel, ClinGen
Classification: Pathogenic for Beta-thalassemia HBB/LCRB. Last evaluated: 2026-04-30. Review status: reviewed by expert panel. Criteria: ClinGen Hb Opathy ACMG Specifications HBB V1.0.0. Collection method: curation. Allele origin: germline. Inheritance: Autosomal recessive inheritance.
Comment: The c.*111A>G (NM_000518.5) variant in HBB is a 3’UTR variant. This variant resides in a region, Poly A (AATAAA), of HBB that is defined as a mutational hotspot and critical functional domain by the ClinGen Hemoglobinopathy VCEP (PM1). This variant has been detected in at least 4 individuals with β-thalassemia. All individuals were compound heterozygous for the variant (c.*111A>G) and a pathogenic variant (c.90C>T; c.93-21G>A; c.316-106C>G; c.118C>T), and all were confirmed in trans by parental/family testing; total PM3 score is 4 (PM3_VS; PMID: 2375910; 8112743; ClinVar: ID 38682; 15454; 15457; 15402). It has been reported in 3 unrelated individuals displaying a hematological phenotype consistent with beta thalassemia trait (low MCV (mean 75.5), low MCH (mean 22.9) and elevated Hb A2 (mean 3.9)); total score is 1.5 (PS4_M; PMID: 2375910). Hemoglobin biosynthesis assay showed a change in biosynthetic ratio of globins in a compound heterozygote patient (α:β ratio: 3.0) and in a homozygote patient (β:α ratio: 0.26), indicating that this variant impacts protein function (PS3_P; PMID: 2375910; PMID: 1856830). The computational predictor CADD (PHRED score 14.04; VCEP threshold >12) suggests that this variant impacts HBB function (PP3). The minor allele frequency in gnomAD v4.1 is 0.000005910 (6/1015192 alleles), which is lower than the ClinGen Hemoglobinopathy VCEP threshold <0.0001 for PM2_Supporting, and therefore meets this criterion [PM2_P]. In summary, this variant meets the criteria to be classified as Pathogenic for beta-thalassemia HBB/LCRB (MONDO:0013517) in an autosomal recessive manner based on the ACMG/AMP criteria applied, as specified by the ClinGen Hemoglobinopathy VCEP (specification version 1.0.0): PM3_VS, PS4_M, PM1, PS3_P, PP3, PM2_P.

Natera, Inc.
Classification: Likely pathogenic for Beta thalassemia. Last evaluated: 2025-12-02. Review status: criteria provided, single submitter. Criteria: Natera Variant Classification Schema (03/2026). Collection method: clinical testing. Allele origin: germline. Not counted in ClinVar's aggregate classification.
Comment: The c.*111A>G variant in HBB is a 3' untranslated region (UTR) variant located downstream of the translation stop codon. This variant is rare in the general population with a frequency below the threshold expected for the associated phenotype(s). This variant has been observed in one or more individuals affected with the associated recessive disease, as either homozygous or compound heterozygous with a second variant (PMID: 2375910, 8112743, 1856830). Computational prediction algorithms indicate this variant is likely to affect gene or protein function. Given the available evidence, this variant is classified as Likely Pathogenic.

Blueprint Genetics
Classification: Pathogenic for HBB-related disorders. Last evaluated: 2024-03-05. Review status: criteria provided, single submitter. Criteria: ACMG Guidelines, 2015. Collection method: clinical testing. Allele origin: germline. Affected: yes. Observed: 2 variant alleles. Not counted in ClinVar's aggregate classification.

Laboratory of Medical Genetics, National & Kapodistrian University of Athens
Classification: Pathogenic for Beta-thalassemia HBB/LCRB. Last evaluated: 2024-02-01. Review status: criteria provided, single submitter. Criteria: ACMG Guidelines, 2015. Collection method: curation. Allele origin: germline. Affected: no. Not counted in ClinVar's aggregate classification.

Labcorp Genetics (formerly Invitae), Labcorp
Classification: Pathogenic. Last evaluated: 2023-12-21. Review status: criteria provided, single submitter. Criteria: Invitae Variant Classification Sherloc (09022015). Collection method: clinical testing. Allele origin: germline. Not counted in ClinVar's aggregate classification.
Comment: This variant occurs in a non-coding region of the HBB gene. It does not change the encoded amino acid sequence of the HBB protein. This variant is not present in population databases (gnomAD no frequency). This variant has been observed in individual(s) with autosomal recessive beta thalassemia (PMID: 1856830, 2375910). In at least one individual the data is consistent with being in trans (on the opposite chromosome) from a pathogenic variant. This variant is also known as AATGAA. ClinVar contains an entry for this variant (Variation ID: 15488). Studies have shown that this variant alters HBB gene expression (PMID: 3024968). For these reasons, this variant has been classified as Pathogenic.

Quest Diagnostics Nichols Institute San Juan Capistrano
Classification: Pathogenic. Last evaluated: 2022-04-18. Review status: criteria provided, single submitter. Criteria: Quest Diagnostics criteria. Collection method: clinical testing. Allele origin: unknown. Not counted in ClinVar's aggregate classification.
Comment: This variant is located in the 3-prime-untranslated region and alters the polyadenylation signal. It has not been reported in large, multi-ethnic general populations. In the published literature, the variant was reported to likely cause the inefficient cleavage and polyadenylation of the beta globin mRNA and was associated with beta(+) thalassemia (PMID: 2375910 (1990), 1856830 (1991), 8112743 (1994), 19205970 (2009), 26418075 (2015), 26956563 (2016), 35336809 (2022)). Based on the available information, this variant is classified as pathogenic.

Women's Health and Genetics/Laboratory Corporation of America, LabCorp
Classification: Pathogenic for Hemoglobinopathy. Last evaluated: 2019-08-22. Review status: criteria provided, single submitter. Criteria: LabCorp Variant Classification Summary - May 2015. Collection method: clinical testing. Allele origin: germline. Not counted in ClinVar's aggregate classification.
Comment: Variant summary: HBB c.*111A>G is located in the untranslated mRNA region downstream of the termination codon that lies in the 'known' polyA tail signal (AATAAA) of HBB, and mutations in this region are known to reduce the synthesis of mRNA. Therefore, this variant is expected or likely to interfere with cleavage of transcript and addition of polyA tail, leading to an elongated transcript that is unstable (PMID: 4018033). 5/5 computational tools predict no significant impact on normal splicing. However, these predictions have yet to be confirmed by functional studies. The variant was absent in 31396 control chromosomes (gnomAD). c.*111A>G has been reported in the literature in multiple individuals (compound heterozygous/heterozygous and homozygous) affected with Hemoglobinopathy. Patient who was homozygous for this variant had a mild, non-transfusion dependent thalassemia phenotype (Losekoot_1991). Jankovic et al report individuals who were heterozygous for this variant had rather mild + thalassaemia, but when present in combination with other more severe types of -thalassaemia variants could result in transfusion-dependent thalassaemia major or thalassaemia intermedia (Jankovic_1990). These data indicate that the variant is very likely to be associated with disease. To our knowledge, no experimental evidence demonstrating an impact on protein function has been reported. Two submitters have provided clinical-significance assessments for this variant to ClinVar after 2014 without evidence for independent evaluation. All laboratories classified the variant as pathogenic. Based on the evidence outlined above, the variant was classified as pathogenic.

Molecular Genetics Laboratory, BC Children's and BC Women's Hospitals
Classification: Likely pathogenic for beta Thalassemia. Last evaluated: 2023-08-02. Review status: no assertion criteria provided. Criteria: ACMG Guidelines, 2015. Collection method: clinical testing. Allele origin: germline. Affected: no. Not counted in ClinVar's aggregate classification.

Counsyl
Classification: Likely pathogenic for Beta-thalassemia HBB/LCRB. Last evaluated: 2016-08-04. Review status: no assertion criteria provided. Collection method: clinical testing. Allele origin: unknown. Not counted in ClinVar's aggregate classification.

OMIM
Classification: Pathogenic for BETA-PLUS-THALASSEMIA. Last evaluated: 1991-04-01. Review status: no assertion criteria provided. Collection method: literature only. Allele origin: germline. Not counted in ClinVar's aggregate classification.

GeneReviews
No classification provided. Condition: beta Thalassemia. Review status: no classification provided. Collection method: literature only. Allele origin: germline. Not counted in ClinVar's aggregate classification.

Literature cited by the submitters: PubMed 2375910 (cited by 5 submitters); PubMed 8112743 (cited by 3 submitters); PubMed 1856830 (cited by 6 submitters); PubMed 3024968 (cited by Labcorp Genetics (formerly Invitae), Labcorp and Quest Diagnostics Nichols Institute San Juan Capistrano); PubMed 26418075 (cited by Quest Diagnostics Nichols Institute San Juan Capistrano); PubMed 26956563 (cited by Quest Diagnostics Nichols Institute San Juan Capistrano); PubMed 6646217 (cited by Quest Diagnostics Nichols Institute San Juan Capistrano); PubMed 20301599 (cited by Quest Diagnostics Nichols Institute San Juan Capistrano); PubMed 22975760 (cited by Quest Diagnostics Nichols Institute San Juan Capistrano and Women's Health and Genetics/Laboratory Corporation of America, LabCorp); PubMed 19205970 (cited by Quest Diagnostics Nichols Institute San Juan Capistrano and Counsyl); PubMed 35336809 (cited by Quest Diagnostics Nichols Institute San Juan Capistrano); PubMed 33971252 (cited by Quest Diagnostics Nichols Institute San Juan Capistrano); NCBI Bookshelf NBK1426 (cited by GeneReviews).